The following is an entry in ClinVar:

NM_003846.3(PEX11B):c.310T>G (p.Trp104Gly)

Gene: PEX11B (peroxisomal biogenesis factor 11 beta; minus strand). Cytogenetic location: 1q21.1.
Variant type: single nucleotide variant.
Coding change: c.310T>G on transcript NM_003846.3 (MANE Select); coding-DNA position 310, T replaced by G.
Protein change: p.Trp104Gly; replaces tryptophan 104 with glycine.
Molecular consequence: missense variant. On other transcripts: non-coding transcript variant (3).
Genome position (GRCh38, 1-based): chr1:145,916,881, A>C on the plus strand (T>G on the coding strand, the complement: PEX11B is on the minus strand). VCF-style: chr1-145916881-A-C. GRCh37 (hg19) VCF-style: chr1-145518208-T-G.
Other names: c.268T>G, p.Trp90Gly (NM_001184795.1); short protein forms W104G, W90G.
Identifiers: ClinVar variation 1020332 (VCV001020332.9), dbSNP rs1647401266, ClinGen allele CA342123274.

ClinVar aggregate classification (germline): Uncertain significance (1 of 4 stars; one submission).

Submission:

Labcorp Genetics (formerly Invitae), Labcorp
Classification: Uncertain significance. Last evaluated: 2020-03-25. Review status: criteria provided, single submitter. Criteria: Invitae Variant Classification Sherloc (09022015). Collection method: clinical testing. Allele origin: germline.
Comment: This sequence change replaces tryptophan with glycine at codon 104 of the PEX11B protein (p.Trp104Gly). The tryptophan residue is highly conserved and there is a large physicochemical difference between tryptophan and glycine. This variant is not present in population databases (ExAC no frequency). This variant has not been reported in the literature in individuals with PEX11B-related conditions. Algorithms developed to predict the effect of missense changes on protein structure and function (SIFT, PolyPhen-2, Align-GVGD) all suggest that this variant is likely to be disruptive, but these predictions have not been confirmed by published functional studies and their clinical significance is uncertain. In summary, the available evidence is currently insufficient to determine the role of this variant in disease. Therefore, it has been classified as a Variant of Uncertain Significance.